The following is an entry in ClinVar:

ClinVar aggregate classification (germline): Conflicting classifications of pathogenicity. Review status: criteria provided, conflicting classifications (1 of 4 stars). 5 submissions from 5 submitters: Uncertain significance (4); Likely benign (1). Last evaluated 2025-06-08.

Conditions:
Hereditary cancer-predisposing syndrome. Also called: Neoplastic Syndromes, Hereditary; Tumor predisposition; Hereditary neoplastic syndrome; Hereditary Cancer Syndrome. Identifiers: Orphanet 140162, MedGen C0027672, MeSH D009386, MONDO:0015356.
Hereditary breast ovarian cancer syndrome. Also called: Hereditary breast and ovarian cancer syndrome; Hereditary breast and ovarian cancer; Hereditary breast and ovarian cancer syndrome (HBOC); Breast and ovarian cancer; Hereditary breast and/or ovarian cancer syndrome; BRCA1- and BRCA2-Associated Hereditary Breast and Ovarian Cancer. Identifiers: Orphanet 145, MedGen C0677776, MeSH D061325, MONDO:0003582. Disease mechanism: loss of function.

Allele frequency attached by ClinVar (database versions not stated): gnomAD exomes below 0.00001.
gnomAD v4.1: 1 of 1,608,188 alleles (0.000062%); highest among the groups gnomAD compares: Non-Finnish European, 0.000085%; no homozygotes.

Submissions (5):

Ambry Genetics
Classification: Uncertain significance for Hereditary cancer-predisposing syndrome. Last evaluated: 2025-06-08. Review status: criteria provided, single submitter. Criteria: Ambry Variant Classification Scheme 2023. Collection method: clinical testing. Allele origin: germline.
Comment: The p.K1057Q variant (also known as c.3169A>C), located in coding exon 10 of the BRCA2 gene, results from an A to C substitution at nucleotide position 3169. The lysine at codon 1057 is replaced by glutamine, an amino acid with similar properties. This amino acid position is conserved. In addition, this alteration is predicted to be tolerated by in silico analysis. Since supporting evidence is limited at this time, the clinical significance of this alteration remains unclear.

Women's Health and Genetics/Laboratory Corporation of America, LabCorp
Classification: Uncertain significance. Last evaluated: 2024-09-05. Review status: criteria provided, single submitter. Criteria: LabCorp Variant Classification Summary - May 2015. Collection method: clinical testing. Allele origin: germline.

Labcorp Genetics (formerly Invitae), Labcorp
Classification: Uncertain significance for Hereditary breast ovarian cancer syndrome. Last evaluated: 2024-05-29. Review status: criteria provided, single submitter. Criteria: Invitae Variant Classification Sherloc (09022015). Collection method: clinical testing. Allele origin: germline.
Comment: This sequence change replaces lysine, which is basic and polar, with glutamine, which is neutral and polar, at codon 1057 of the BRCA2 protein (p.Lys1057Gln). This variant is not present in population databases (gnomAD no frequency). This variant has not been reported in the literature in individuals affected with BRCA2-related conditions. ClinVar contains an entry for this variant (Variation ID: 628727). Advanced modeling of protein sequence and biophysical properties (such as structural, functional, and spatial information, amino acid conservation, physicochemical variation, residue mobility, and thermodynamic stability) performed at Invitae indicates that this missense variant is not expected to disrupt BRCA2 protein function with a negative predictive value of 95%. In summary, the available evidence is currently insufficient to determine the role of this variant in disease. Therefore, it has been classified as a Variant of Uncertain Significance.

Color Diagnostics, LLC DBA Color Health
Classification: Uncertain significance for Hereditary cancer-predisposing syndrome. Last evaluated: 2023-12-04. Review status: criteria provided, single submitter. Criteria: ACMG Guidelines, 2015. Collection method: clinical testing. Allele origin: germline.
Comment: This missense variant replaces lysine with glutamine at codon 1057 of the BRCA2 protein. Computational prediction suggests that this variant may not impact protein structure and function (internally defined REVEL score threshold <= 0.5, PMID: 27666373). To our knowledge, functional studies have not been reported for this variant. This variant has not been reported in individuals affected with BRCA2-related disorders in the literature. This variant has not been identified in the general population by the Genome Aggregation Database (gnomAD). The available evidence is insufficient to determine the role of this variant in disease conclusively. Therefore, this variant is classified as a Variant of Uncertain Significance.

University of Washington Department of Laboratory Medicine, University of Washington
Classification: Likely benign for Hereditary cancer-predisposing syndrome. Last evaluated: 2023-03-23. Review status: criteria provided, single submitter. Criteria: Dines et al. (Genet Med. 2020). Collection method: curation. Allele origin: germline.
Comment: Missense variant in a coldspot region where missense variants are very unlikely to be pathogenic (PMID:31911673).

BRCA2 exon 11 coldspot. Reclassification based on statistical prior probability.

NM_000059.4(BRCA2):c.3169A>C (p.Lys1057Gln)

Gene: BRCA2 (BRCA2 DNA repair associated; plus strand). Cytogenetic location: 13q13.1.
Variant type: single nucleotide variant.
Coding change: c.3169A>C on transcript NM_000059.4 (MANE Select); coding-DNA position 3169, A replaced by C.
Protein change: p.Lys1057Gln; replaces lysine 1057 with glutamine.
Molecular consequence: missense variant.
Genome position (GRCh38, 1-based): chr13:32,337,524, A>C. VCF-style: chr13-32337524-A-C. GRCh37 (hg19) VCF-style: chr13-32911661-A-C.
Other names: short protein forms K1057Q.
Identifiers: ClinVar variation 628727 (VCV000628727.14), dbSNP rs1566227924, ClinGen allele CA387775802.
Genomic context (GRCh38, chr13:32,337,524, plus strand): 5'-CAATATCCTACTAGTTTAGCTTGTGTTGAAATTGTAAATACCTTGGCATTAGATAATCAA[A>C]AGAAACTGAGCAAGCCTCAGTCAATTAATACTGTATCTGCACATTTACAGAGTAGTGTAG-3'
Protein context (NP_000050.3, residues 1047-1067): IVNTLALDNQ[Lys1057Gln]KLSKPQSINT